The following is an entry in ClinVar:

ClinVar aggregate classification (germline): Benign (1 of 4 stars; one submission).

Allele frequency attached by ClinVar (database versions not stated): TOPMed 0.14085; gnomAD 0.14306 and 0.14338; 1000 Genomes Project 0.15715; 1000 Genomes Project 30x 0.16224.
gnomAD v4.1: 21,593 of 151,696 alleles (14%); highest among the groups gnomAD compares: African/African-American, 22%; 1,786 homozygotes.

Submission:

GeneDx
Classification: Benign. Last evaluated: 2018-06-19. Review status: criteria provided, single submitter. Criteria: GeneDx Variant Classification (06012015). Collection method: clinical testing. Allele origin: germline. Affected: yes.
Comment: This variant is considered likely benign or benign based on one or more of the following criteria: it is a conservative change, it occurs at a poorly conserved position in the protein, it is predicted to be benign by multiple in silico algorithms, and/or has population frequency not consistent with disease.

NM_006073.4(TRDN):c.1805-156C>T

Gene: TRDN (triadin; minus strand). Cytogenetic location: 6q22.31.
Variant type: single nucleotide variant.
Coding change: c.1805-156C>T on transcript NM_006073.4 (MANE Select); 156 bases into the intron before coding-DNA position 1805, C replaced by T.
Molecular consequence: intron variant.
Genome position (GRCh38, 1-based): chr6:123,260,794, G>A on the plus strand (C>T on the coding strand, the complement: TRDN is on the minus strand). VCF-style: chr6-123260794-G-A. GRCh37 (hg19) VCF-style: chr6-123581939-G-A.
Identifiers: ClinVar variation 674886 (VCV000674886.1), dbSNP rs28502524, ClinGen allele CA147228553.
Genomic context (GRCh38, chr6:123,260,794, plus strand): 5'-ATCTTCTGATATTTCTTCCTAAATTACAATAGGCACACATACTCAAAATGGCAAAGAAAT[G>A]TACTGATGATTAATATTTCTGATAGCTGTAACTAGACATCTATTTTGAAAATAGAACAAA-3'